The following is an entry in ClinVar:

ClinVar aggregate classification (germline): Uncertain significance (1 of 4 stars; one submission).

Conditions:
Renal carnitine transport defect (CDSP). Also called: Systemic primary carnitine deficiency disease; Primary carnitine deficiency; CARNITINE DEFICIENCY, SYSTEMIC, DUE TO DEFECT IN RENAL REABSORPTION OF CARNITINE; CARNITINE TRANSPORTER, PLASMA-MEMBRANE, DEFICIENCY OF; CARNITINE UPTAKE DEFECT; Carnitine Deficiency, Systemic. Identifiers: Orphanet 158, MedGen C0342788, MONDO:0008919, OMIM 212140.

Allele frequency attached by ClinVar (database versions not stated): gnomAD exomes below 0.00001.
gnomAD v4.1: 2 of 1,614,066 alleles (0.00012%); highest among the groups gnomAD compares: Non-Finnish European, 0.00017%; no homozygotes.

Submission:

Labcorp Genetics (formerly Invitae), Labcorp
Classification: Uncertain significance for Renal carnitine transport defect. Last evaluated: 2021-11-26. Review status: criteria provided, single submitter. Criteria: Invitae Variant Classification Sherloc (09022015). Collection method: clinical testing. Allele origin: germline.
Comment: In summary, the available evidence is currently insufficient to determine the role of this variant in disease. Therefore, it has been classified as a Variant of Uncertain Significance. Advanced modeling of protein sequence and biophysical properties (such as structural, functional, and spatial information, amino acid conservation, physicochemical variation, residue mobility, and thermodynamic stability) performed at Invitae indicates that this missense variant is not expected to disrupt SLC22A5 protein function. This variant has not been reported in the literature in individuals affected with SLC22A5-related conditions. This variant is not present in population databases (gnomAD no frequency). This sequence change replaces glutamic acid, which is acidic and polar, with glycine, which is neutral and non-polar, at codon 291 of the SLC22A5 protein (p.Glu291Gly).

NM_003060.4(SLC22A5):c.872A>G (p.Glu291Gly)

Gene: SLC22A5 (solute carrier family 22 member 5; plus strand). Cytogenetic location: 5q31.1.
Variant type: single nucleotide variant.
Coding change: c.872A>G on transcript NM_003060.4 (MANE Select); coding-DNA position 872, A replaced by G.
Protein change: p.Glu291Gly; replaces glutamic acid 291 with glycine.
Molecular consequence: missense variant.
Genome position (GRCh38, 1-based): chr5:132,387,072, A>G. VCF-style: chr5-132387072-A-G. GRCh37 (hg19) VCF-style: chr5-131722764-A-G.
Other names: c.944A>G, p.Glu315Gly (NM_001308122.2); short protein forms E315G, E291G.
Identifiers: ClinVar variation 1395096 (VCV001395096.6), dbSNP rs2126786042, ClinGen allele CA360805592.